The following is an entry in ClinVar:

NM_152383.5(DIS3L2):c.1721A>C (p.Glu574Ala)

Gene: DIS3L2 (DIS3 like 3'-5' exoribonuclease 2; plus strand). Cytogenetic location: 2q37.1.
Variant type: single nucleotide variant.
Coding change: c.1721A>C on transcript NM_152383.5 (MANE Select); coding-DNA position 1721, A replaced by C.
Protein change: p.Glu574Ala; replaces glutamic acid 574 with alanine.
Molecular consequence: missense variant. On other transcripts: non-coding transcript variant (2), intron variant (1).
Genome position (GRCh38, 1-based): chr2:232,300,101, A>C. VCF-style: chr2-232300101-A-C. GRCh37 (hg19) VCF-style: chr2-233164811-A-C.
Other names: c.1581+36739A>C (NM_001257281.2); short protein forms E574A.
Identifiers: ClinVar variation 463069 (VCV000463069.9), dbSNP rs1553546491, ClinGen allele CA350978686.

ClinVar aggregate classification (germline): Uncertain significance. Review status: criteria provided, multiple submitters, no conflicts (2 of 4 stars). 2 submissions from 2 submitters: Uncertain significance (2). Last evaluated 2025-01-17.

Conditions:
Inborn genetic diseases. Identifiers: MedGen C0950123, MeSH D030342.
Perlman syndrome (PRLMNS). Identifiers: Orphanet 2849, MedGen C0796113, MONDO:0009965, OMIM 267000.

Allele frequency attached by ClinVar (database versions not stated): gnomAD 0.00001; TOPMed 0.00001.
gnomAD v4.1: 1 of 1,613,654 alleles (0.000062%); highest among the groups gnomAD compares: Admixed American, 0.0017%; no homozygotes.

Submissions (2):

Ambry Genetics
Classification: Uncertain significance for Inborn genetic diseases. Last evaluated: 2025-01-17. Review status: criteria provided, single submitter. Criteria: Ambry Variant Classification Scheme 2023. Collection method: clinical testing. Allele origin: germline.

Labcorp Genetics (formerly Invitae), Labcorp
Classification: Uncertain significance for Perlman syndrome. Last evaluated: 2022-09-01. Review status: criteria provided, single submitter. Criteria: Invitae Variant Classification Sherloc (09022015). Collection method: clinical testing. Allele origin: germline.
Comment: This variant has not been reported in the literature in individuals affected with DIS3L2-related conditions. This sequence change replaces glutamic acid, which is acidic and polar, with alanine, which is neutral and non-polar, at codon 574 of the DIS3L2 protein (p.Glu574Ala). This variant is not present in population databases (gnomAD no frequency). ClinVar contains an entry for this variant (Variation ID: 463069). Algorithms developed to predict the effect of missense changes on protein structure and function are either unavailable or do not agree on the potential impact of this missense change (SIFT: "Tolerated"; PolyPhen-2: "Possibly Damaging"; Align-GVGD: "Class C0"). In summary, the available evidence is currently insufficient to determine the role of this variant in disease. Therefore, it has been classified as a Variant of Uncertain Significance.